The following is an entry in ClinVar:

ClinVar aggregate classification (germline): Uncertain significance (1 of 4 stars; one submission).

Allele frequency attached by ClinVar (database versions not stated): TOPMed below 0.00001; gnomAD 0.00001; gnomAD exomes 0.00001; ExAC 0.00005.
gnomAD v4.1: 12 of 1,614,056 alleles (0.00074%); highest among the groups gnomAD compares: Admixed American, 0.005%; no homozygotes.

Submission:

Labcorp Genetics (formerly Invitae), Labcorp
Classification: Uncertain significance. Last evaluated: 2023-06-28. Review status: criteria provided, single submitter. Criteria: Invitae Variant Classification Sherloc (09022015). Collection method: clinical testing. Allele origin: germline.
Comment: In summary, the available evidence is currently insufficient to determine the role of this variant in disease. Therefore, it has been classified as a Variant of Uncertain Significance. Advanced modeling of protein sequence and biophysical properties (such as structural, functional, and spatial information, amino acid conservation, physicochemical variation, residue mobility, and thermodynamic stability) has been performed at Invitae for this missense variant, however the output from this modeling did not meet the statistical confidence thresholds required to predict the impact of this variant on KMT2A protein function. ClinVar contains an entry for this variant (Variation ID: 1917174). This variant has not been reported in the literature in individuals affected with KMT2A-related conditions. This variant is present in population databases (rs782641177, gnomAD 0.04%), and has an allele count higher than expected for a pathogenic variant. This sequence change replaces isoleucine, which is neutral and non-polar, with threonine, which is neutral and polar, at codon 3189 of the KMT2A protein (p.Ile3189Thr).

NM_001197104.2(KMT2A):c.9566T>C (p.Ile3189Thr)

Gene: KMT2A (lysine methyltransferase 2A; plus strand). Cytogenetic location: 11q23.3.
Variant type: single nucleotide variant.
Coding change: c.9566T>C on transcript NM_001197104.2 (MANE Select); coding-DNA position 9566, T replaced by C.
Protein change: p.Ile3189Thr; replaces isoleucine 3189 with threonine.
Molecular consequence: missense variant.
Genome position (GRCh38, 1-based): chr11:118,505,458, T>C. VCF-style: chr11-118505458-T-C. GRCh37 (hg19) VCF-style: chr11-118376173-T-C.
Other names: c.9656T>C, p.Ile3219Thr (NM_001412597.1); c.9557T>C, p.Ile3186Thr (NM_005933.4); short protein forms I3219T, I3186T, I3189T.
Identifiers: ClinVar variation 1917174 (VCV001917174.5), dbSNP rs782641177, ClinGen allele CA6304610.